The following is an entry in ClinVar:

NM_001098.3(ACO2):c.1605+5G>C

Gene: ACO2 (aconitase 2; plus strand). Cytogenetic location: 22q13.2.
Variant type: single nucleotide variant.
Coding change: c.1605+5G>C on transcript NM_001098.3 (MANE Select); 5 bases into the intron after coding-DNA position 1605, G replaced by C.
Molecular consequence: intron variant.
Genome position (GRCh38, 1-based): chr22:41,524,973, G>C. VCF-style: chr22-41524973-G-C. GRCh37 (hg19) VCF-style: chr22-41920977-G-C.
Other names: c.1605+5G>C (NM_001098.2).
Identifiers: ClinVar variation 1017738 (VCV001017738.8), dbSNP rs746090988, ClinGen allele CA10257706.

ClinVar aggregate classification (germline): Uncertain significance. Review status: criteria provided, multiple submitters, no conflicts (2 of 4 stars). 3 submissions from 3 submitters: Uncertain significance (3). Last evaluated 2025-12-08.

Conditions:
Inborn genetic diseases. Identifiers: MedGen C0950123, MeSH D030342.

Allele frequency attached by ClinVar (database versions not stated): ExAC 0.00002; gnomAD exomes 0.00002; TOPMed 0.00006; gnomAD 0.00009.
gnomAD v4.1: 27 of 1,614,040 alleles (0.0017%); highest among the groups gnomAD compares: African/African-American, 0.036%; no homozygotes.

Submissions (3):

Labcorp Genetics (formerly Invitae), Labcorp
Classification: Uncertain significance. Last evaluated: 2025-12-08. Review status: criteria provided, single submitter. Criteria: Invitae Variant Classification Sherloc (09022015). Collection method: clinical testing. Allele origin: germline.
Comment: This sequence change falls in intron 13 of the ACO2 gene. It does not directly change the encoded amino acid sequence of the ACO2 protein. It affects a nucleotide within the consensus splice site. This variant is present in population databases (rs746090988, gnomAD 0.03%). This variant has not been reported in the literature in individuals affected with ACO2-related conditions. ClinVar contains an entry for this variant (Variation ID: 1017738). Variants that disrupt the consensus splice site are a relatively common cause of aberrant splicing (PMID: 17576681, 9536098). Algorithms developed to predict the effect of sequence changes on RNA splicing suggest that this variant may disrupt the consensus splice site. In summary, the available evidence is currently insufficient to determine the role of this variant in disease. Therefore, it has been classified as a Variant of Uncertain Significance.

Blueprint Genetics
Classification: Uncertain significance. Last evaluated: 2023-02-14. Review status: criteria provided, single submitter. Criteria: ACMG Guidelines, 2015. Collection method: clinical testing. Allele origin: germline.

Ambry Genetics
Classification: Uncertain significance for Inborn genetic diseases. Last evaluated: 2021-11-11. Review status: criteria provided, single submitter. Criteria: Ambry Variant Classification Scheme 2023. Collection method: clinical testing. Allele origin: germline.
Comment: The c.1605+5G>C intronic alteration consists of a G to C substitution nucleotides after coding exon 13 in the ACO2 gene. Based on insufficient or conflicting evidence, the clinical significance of this alteration remains unclear.

Literature cited by the submitters: PubMed 17576681 (cited by Labcorp Genetics (formerly Invitae), Labcorp); PubMed 9536098 (cited by Labcorp Genetics (formerly Invitae), Labcorp).